The following is an entry in ClinVar:

ClinVar aggregate classification (germline): Likely benign (1 of 4 stars; one submission).

gnomAD v4.1: 258 of 1,613,102 alleles (0.016%); highest among the groups gnomAD compares: Non-Finnish European, 0.02%; no homozygotes.

Submission:

CeGaT Center for Human Genetics Tuebingen
Classification: Likely benign. Last evaluated: 2025-06-01. Review status: criteria provided, single submitter. Criteria: CeGaT Center For Human Genetics Tuebingen Variant Classification Criteria Version 2. Collection method: clinical testing. Allele origin: germline. Affected: yes. Observed: 1 variant allele.
Comment: CSNK2A1: BP4, BP7

NM_177559.3(CSNK2A1):c.1032G>A (p.Thr344=)

Gene: CSNK2A1 (casein kinase 2 alpha 1; minus strand). Cytogenetic location: 20p13.
Variant type: single nucleotide variant.
Coding change: c.1032G>A on transcript NM_177559.3 (MANE Select); coding-DNA position 1032, G replaced by A.
Protein change: p.Thr344=; no amino-acid change (threonine 344 retained).
Molecular consequence: synonymous variant.
Genome position (GRCh38, 1-based): chr20:486,404, C>T on the plus strand (G>A on the coding strand, the complement: CSNK2A1 is on the minus strand). VCF-style: chr20-486404-C-T. GRCh37 (hg19) VCF-style: chr20-467048-C-T.
Other names: c.1032G>A, p.Thr344= (NM_001362770.2, NM_001362771.2, NM_001895.4); c.624G>A, p.Thr208= (NM_177560.3).
Identifiers: ClinVar variation 3905129 (VCV003905129.10).
Genomic context (GRCh38, chr20:486,404, plus strand): 5'-TTTTTTTAAAGAAAATTTACCAATGAACTGACCTGACATCATATTGGCGCTGCTGACGGG[C>T]GTACTGCCCCCTGGCATGCTAGATGAACCCATTCGAGCCTGGTCCTTCACAACAGTGTCT-3'
Protein context (NP_808227.1, residues 334-354): MGSSSMPGGS[Thr344=]PVSSANMMSG